The following is an entry in ClinVar:

NM_001277115.2(DNAH11):c.6984G>A (p.Pro2328=)

Gene: DNAH11 (dynein axonemal heavy chain 11; plus strand). Cytogenetic location: 7p15.3.
Variant type: single nucleotide variant.
Coding change: c.6984G>A on transcript NM_001277115.2 (MANE Select); coding-DNA position 6984, G replaced by A.
Protein change: p.Pro2328=; no amino-acid change (proline 2328 retained).
Molecular consequence: synonymous variant.
Genome position (GRCh38, 1-based): chr7:21,717,775, G>A. VCF-style: chr7-21717775-G-A. GRCh37 (hg19) VCF-style: chr7-21757393-G-A.
Other names: c.6984G>A (NM_001277115.1).
Identifiers: ClinVar variation 1022839 (VCV001022839.6), dbSNP rs761918179, ClinGen allele CA4181082.
Genomic context (GRCh38, chr7:21,717,775, plus strand): 5'-GGTGAAATTCTGCTTTTCAAGCCTAGTGTTCAATAAAAGCTTTTCTGTGTTCCTTTTCAG[G>A]TATGTGGCCAGTTGGATAGACAGAAGGCGGCATCAATCAGAAAAGGCCAATTTGACTATT-3'
Protein context (NP_001264044.1, residues 2318-2338): YVNPQDLGWN[Pro2328=]YVASWIDRRR

ClinVar aggregate classification (germline): Conflicting classifications of pathogenicity. Review status: criteria provided, conflicting classifications (1 of 4 stars). 2 submissions from 2 submitters: Uncertain significance (1); Likely benign (1). Last evaluated 2025-12-19.

Conditions:
Primary ciliary dyskinesia. Also called: Ciliary dyskinesia. Identifiers: Orphanet 244, MedGen C0008780, MONDO:0016575, HP:0012265.

Allele frequency attached by ClinVar (database versions not stated): TOPMed 0.00002.
gnomAD v4.1: 53 of 1,613,504 alleles (0.0033%); highest among the groups gnomAD compares: South Asian, 0.033%; no homozygotes.

Submissions (2):

Ambry Genetics
Classification: Likely benign for Primary ciliary dyskinesia. Last evaluated: 2025-12-19. Review status: criteria provided, single submitter. Criteria: Ambry Variant Classification Scheme 2023. Collection method: clinical testing. Allele origin: germline.

Labcorp Genetics (formerly Invitae), Labcorp
Classification: Uncertain significance for Primary ciliary dyskinesia. Last evaluated: 2023-09-20. Review status: criteria provided, single submitter. Criteria: Invitae Variant Classification Sherloc (09022015). Collection method: clinical testing. Allele origin: germline.
Comment: This sequence change affects codon 2328 of the DNAH11 mRNA. It is a 'silent' change, meaning that it does not change the encoded amino acid sequence of the DNAH11 protein. It affects a nucleotide within the consensus splice site. This variant is present in population databases (rs761918179, gnomAD 0.04%). This variant has not been reported in the literature in individuals affected with DNAH11-related conditions. ClinVar contains an entry for this variant (Variation ID: 1022839). Algorithms developed to predict the effect of sequence changes on RNA splicing suggest that this variant is not likely to affect RNA splicing. In summary, the available evidence is currently insufficient to determine the role of this variant in disease. Therefore, it has been classified as a Variant of Uncertain Significance.